The following is an entry in ClinVar:

NM_023036.6(DNAI2):c.1672G>A (p.Ala558Thr)

Gene: DNAI2 (dynein axonemal intermediate chain 2; plus strand). Cytogenetic location: 17q25.1.
Variant type: single nucleotide variant.
Coding change: c.1672G>A on transcript NM_023036.6 (MANE Select); coding-DNA position 1672, G replaced by A.
Protein change: p.Ala558Thr; replaces alanine 558 with threonine.
Molecular consequence: missense variant.
Genome position (GRCh38, 1-based): chr17:74,312,180, G>A. VCF-style: chr17-74312180-G-A. GRCh37 (hg19) VCF-style: chr17-72308319-G-A.
Other names: c.1636G>A, p.Ala546Thr (NM_001172810.3); c.1672G>A, p.Ala558Thr (NM_001353167.2); short protein forms A558T, A546T.
Identifiers: ClinVar variation 163171 (VCV000163171.34), dbSNP rs1979370, ClinGen allele CA175831.

ClinVar aggregate classification (germline): Benign/Likely benign. Review status: criteria provided, multiple submitters, no conflicts (2 of 4 stars). 14 submissions from 14 submitters: Benign (10); Likely benign (1). 3 of the submissions do not count toward it. Last evaluated 2026-02-04.

Conditions:
Primary ciliary dyskinesia. Also called: Ciliary dyskinesia. Identifiers: Orphanet 244, MedGen C0008780, MONDO:0016575, HP:0012265.
Primary ciliary dyskinesia 9. Also called: CILIARY DYSKINESIA, PRIMARY, 9, WITH OR WITHOUT SITUS INVERSUS. Identifiers: Orphanet 244, MedGen C2676235, MONDO:0012906, OMIM 612444.

Allele frequency attached by ClinVar (database versions not stated): 1000 Genomes Project 30x 0.73235; 1000 Genomes Project 0.74081; TOPMed 0.76892; ESP Exome Variant Server 0.77026; gnomAD 0.77449 and 0.78054; ExAC 0.85806; gnomAD exomes 0.86379 and 0.89276.
gnomAD v4.1: 1,419,111 of 1,610,478 alleles (88%); highest among the groups gnomAD compares: Admixed American, 92%; 631,593 homozygotes.

Submissions (14):

Labcorp Genetics (formerly Invitae), Labcorp
Classification: Benign for Primary ciliary dyskinesia. Last evaluated: 2026-02-04. Review status: criteria provided, single submitter. Criteria: Invitae Variant Classification Sherloc (09022015). Collection method: clinical testing. Allele origin: germline.

Blueprint Genetics
Classification: Likely benign. Last evaluated: 2024-11-28. Review status: criteria provided, single submitter. Criteria: ACMG Guidelines, 2015. Collection method: clinical testing. Allele origin: germline.

Mayo Clinic Laboratories, Mayo Clinic
Classification: Benign. Last evaluated: 2022-04-26. Review status: criteria provided, single submitter. Criteria: ACMG Guidelines, 2015. Collection method: clinical testing. Allele origin: germline. Observed: 202 variant alleles.

Genome-Nilou Lab
Classification: Benign for Primary ciliary dyskinesia 9. Last evaluated: 2021-07-10. Review status: criteria provided, single submitter. Criteria: ACMG Guidelines, 2015. Collection method: clinical testing. Allele origin: germline. Affected: no.

GeneDx
Classification: Benign. Last evaluated: 2018-11-10. Review status: criteria provided, single submitter. Criteria: GeneDx Variant Classification Process June 2021. Collection method: clinical testing. Allele origin: germline. Affected: yes.

Illumina Laboratory Services, Illumina
Classification: Benign for Primary ciliary dyskinesia 9. Last evaluated: 2018-01-13. Review status: criteria provided, single submitter. Criteria: ICSL Variant Classification Criteria 13 December 2019. Collection method: clinical testing. Allele origin: germline.
Comment: This variant was observed in the ICSL laboratory as part of a predisposition screen in an ostensibly healthy population. It had not been previously curated by ICSL or reported in the Human Gene Mutation Database (HGMD: prior to June 1st, 2018), and was therefore a candidate for classification through an automated scoring system. Utilizing variant allele frequency, disease prevalence and penetrance estimates, and inheritance mode, an automated score was calculated to assess if this variant is too frequent to cause the disease. Based on the score and internal cut-off values, a variant classified as benign is not then subjected to further curation. The score for this variant resulted in a classification of benign for this disease.

Eurofins Ntd Llc (ga)
Classification: Benign. Last evaluated: 2016-01-20. Review status: criteria provided, single submitter. Criteria: EGL Classification Definitions 2015. Collection method: clinical testing. Allele origin: germline. Observed: 22 variant alleles, 3 heterozygotes, 19 homozygotes.

Ambry Genetics
Classification: Benign for Primary ciliary dyskinesia. Last evaluated: 2014-12-01. Review status: criteria provided, single submitter. Criteria: Ambry Variant Classification Scheme 2023. Collection method: clinical testing. Allele origin: germline.

Laboratory for Molecular Medicine, Mass General Brigham Personalized Medicine
Classification: Benign. Last evaluated: 2013-02-21. Review status: criteria provided, single submitter. Criteria: LMM Criteria. Collection method: clinical testing. Allele origin: germline. Observed: 100 variant alleles.
Comment: Ala558Thr in exon 12 of DNAI2: This variant is not expected to have clinical sig nificance because it has been identified in 49.7% (2189/4406) of African America n chromosomes from a broad population by the NHLBI Exome Sequencing Project (dbSNP rs1979370).

Breakthrough Genomics
Classification: Benign. Review status: criteria provided, single submitter. Criteria: ACMG Guidelines, 2015. Collection method: not provided. Allele origin: germline. Inheritance: Autosomal recessive inheritance. Affected: yes.

PreventionGenetics, part of Exact Sciences
Classification: Benign. Review status: criteria provided, single submitter. Criteria: ACMG Guidelines, 2015. Collection method: clinical testing. Allele origin: germline.

Natera, Inc.
Classification: Benign for Primary ciliary dyskinesia. Last evaluated: 2020-09-16. Review status: no assertion criteria provided. Collection method: clinical testing. Allele origin: germline. Not counted in ClinVar's aggregate classification.

Clinical Genetics DNA and cytogenetics Diagnostics Lab, Erasmus MC, Erasmus Medical Center
Classification: Benign. Review status: no assertion criteria provided. Collection method: clinical testing. Allele origin: germline. Affected: yes. Study: VKGL Data-share Consensus. Not counted in ClinVar's aggregate classification.

Diagnostic Laboratory, Department of Genetics, University Medical Center Groningen
Classification: Benign for Primary ciliary dyskinesia 9. Review status: no assertion criteria provided. Collection method: clinical testing. Allele origin: germline. Affected: yes. Study: VKGL Data-share Consensus. Not counted in ClinVar's aggregate classification.